The following is an entry in ClinVar:

ClinVar aggregate classification (germline): Uncertain significance. Review status: criteria provided, multiple submitters, no conflicts (2 of 4 stars). 2 submissions from 2 submitters: Uncertain significance (2). Last evaluated 2023-06-28.

Conditions:
Catecholaminergic polymorphic ventricular tachycardia (CVPT). Also called: Catecholamine-induced polymorphic ventricular tachycardia. Identifiers: Orphanet 3286, MedGen C5574922, MONDO:0017990.
Catecholaminergic polymorphic ventricular tachycardia 1. Also called: RYR2-Related Catecholaminergic Polymorphic Ventricular Tachycardia; VENTRICULAR TACHYCARDIA, CATECHOLAMINERGIC POLYMORPHIC, 1, WITH OR WITHOUT ATRIAL DYSFUNCTION AND/OR DILATED CARDIOMYOPATHY; VENTRICULAR TACHYCARDIA, STRESS-INDUCED POLYMORPHIC 1. Identifiers: Orphanet 3286, MedGen C1631597, MONDO:0011484, OMIM 604772.

Allele frequency attached by ClinVar (database versions not stated): gnomAD exomes below 0.00001; TOPMed below 0.00001; ExAC 0.00001; gnomAD 0.00001.
gnomAD v4.1: 4 of 1,613,876 alleles (0.00025%); highest among the groups gnomAD compares: South Asian, 0.0033%; no homozygotes.

Submissions (2):

All of Us Research Program, National Institutes of Health
Classification: Uncertain significance for Catecholaminergic polymorphic ventricular tachycardia. Last evaluated: 2023-06-28. Review status: criteria provided, single submitter. Criteria: ACMG Guidelines, 2015. Collection method: clinical testing. Allele origin: germline. Inheritance: Autosomal dominant inheritance. Observed: 1 variant allele, 1 heterozygote.
Comment: This study involves interpretation of variants in research participants for the purpose of population health screening. Participant phenotype was not available at the time of variant classification. Additional details can be found in publication PMID: 35346344, PMCID: PMC8962531

Labcorp Genetics (formerly Invitae), Labcorp
Classification: Uncertain significance for Catecholaminergic polymorphic ventricular tachycardia 1. Last evaluated: 2022-01-01. Review status: criteria provided, single submitter. Criteria: Invitae Variant Classification Sherloc (09022015). Collection method: clinical testing. Allele origin: germline.
Comment: In summary, the available evidence is currently insufficient to determine the role of this variant in disease. Therefore, it has been classified as a Variant of Uncertain Significance. Advanced modeling of protein sequence and biophysical properties (such as structural, functional, and spatial information, amino acid conservation, physicochemical variation, residue mobility, and thermodynamic stability) performed at Invitae indicates that this missense variant is not expected to disrupt RYR2 protein function. ClinVar contains an entry for this variant (Variation ID: 1025773). This variant has not been reported in the literature in individuals affected with RYR2-related conditions. This variant is present in population databases (rs773181830, gnomAD 0.003%). This sequence change replaces glycine, which is neutral and non-polar, with serine, which is neutral and polar, at codon 1802 of the RYR2 protein (p.Gly1802Ser).

NM_001035.3(RYR2):c.5404G>A (p.Gly1802Ser)

Gene: RYR2 (ryanodine receptor 2; plus strand). Cytogenetic location: 1q43.
Variant type: single nucleotide variant.
Coding change: c.5404G>A on transcript NM_001035.3 (MANE Select); coding-DNA position 5404, G replaced by A.
Protein change: p.Gly1802Ser; replaces glycine 1802 with serine.
Molecular consequence: missense variant.
Genome position (GRCh38, 1-based): chr1:237,614,532, G>A. VCF-style: chr1-237614532-G-A. GRCh37 (hg19) VCF-style: chr1-237777832-G-A.
Other names: short protein forms G1802S.
Identifiers: ClinVar variation 1025773 (VCV001025773.11), dbSNP rs773181830, ClinGen allele CA086880.